The following is an entry in ClinVar:

NM_000787.4(DBH):c.1300G>A (p.Val434Met)

Gene: DBH (dopamine beta-hydroxylase; plus strand). Cytogenetic location: 9q34.2.
Variant type: single nucleotide variant.
Coding change: c.1300G>A on transcript NM_000787.4 (MANE Select); coding-DNA position 1300, G replaced by A.
Protein change: p.Val434Met; replaces valine 434 with methionine.
Molecular consequence: missense variant.
Genome position (GRCh38, 1-based): chr9:133,651,742, G>A. VCF-style: chr9-133651742-G-A. GRCh37 (hg19) VCF-style: chr9-136516864-G-A.
Other names: short protein forms V434M.
Identifiers: ClinVar variation 913825 (VCV000913825.6), dbSNP rs372010353, ClinGen allele CA5313417.
Genomic context (GRCh38, chr9:133,651,742, plus strand): 5'-CACCTGACTGGGAGAAAGGTGGTCACAGTGCTGGTCCGGGACGGCCGGGAGTGGGAGATC[G>A]TGAACCAGGACAATCACTACAGCCCTCACTTCCAGGTAGGAACCTGCACCCCACCCCTGC-3'
Protein context (NP_000778.3, residues 424-444): LVRDGREWEI[Val434Met]NQDNHYSPHF

ClinVar aggregate classification (germline): Uncertain significance. Review status: criteria provided, multiple submitters, no conflicts (2 of 4 stars). 3 submissions from 3 submitters: Uncertain significance (3). Last evaluated 2025-03-27.

Conditions:
Orthostatic hypotension 1 (ORTHYP1). Also called: NORADRENALINE DEFICIENCY; NOREPINEPHRINE DEFICIENCY; Orthostatic hypotension 1, due to DBH deficiency; Dopamine beta-hydroxylase deficiency. Identifiers: Orphanet 230, MedGen C4746777, MONDO:0009123, OMIM 223360.
Inborn genetic diseases. Identifiers: MedGen C0950123, MeSH D030342.

Allele frequency attached by ClinVar (database versions not stated): gnomAD 0.00001; gnomAD exomes 0.00002; TOPMed 0.00002; ExAC 0.00006; ESP Exome Variant Server 0.00008.
gnomAD v4.1: 37 of 1,613,038 alleles (0.0023%); highest among the groups gnomAD compares: Non-Finnish European, 0.0031%; no homozygotes.

Submissions (3):

Labcorp Genetics (formerly Invitae), Labcorp
Classification: Uncertain significance for Orthostatic hypotension 1. Last evaluated: 2025-03-27. Review status: criteria provided, single submitter. Criteria: Invitae Variant Classification Sherloc (09022015). Collection method: clinical testing. Allele origin: germline.
Comment: This sequence change replaces valine, which is neutral and non-polar, with methionine, which is neutral and non-polar, at codon 434 of the DBH protein (p.Val434Met). This variant is present in population databases (rs372010353, gnomAD 0.005%). This variant has not been reported in the literature in individuals affected with DBH-related conditions. ClinVar contains an entry for this variant (Variation ID: 913825). Invitae Evidence Modeling of protein sequence and biophysical properties (such as structural, functional, and spatial information, amino acid conservation, physicochemical variation, residue mobility, and thermodynamic stability) indicates that this missense variant is not expected to disrupt DBH protein function with a negative predictive value of 80%. In summary, the available evidence is currently insufficient to determine the role of this variant in disease. Therefore, it has been classified as a Variant of Uncertain Significance.

Ambry Genetics
Classification: Uncertain significance for Inborn genetic diseases. Last evaluated: 2024-10-08. Review status: criteria provided, single submitter. Criteria: Ambry Variant Classification Scheme 2023. Collection method: clinical testing. Allele origin: germline.

Illumina Laboratory Services, Illumina
Classification: Uncertain significance for Orthostatic hypotension 1. Last evaluated: 2018-01-12. Review status: criteria provided, single submitter. Criteria: ICSL Variant Classification Criteria 13 December 2019. Collection method: clinical testing. Allele origin: germline.